The following is an entry in ClinVar:

NC_000002.11:g.(?_47596287)_(47604216_?)dup

Gene: EPCAM (epithelial cell adhesion molecule; plus strand). Cytogenetic location: 2p21.
Variant type: Duplication.
Identifiers: ClinVar variation 417535 (VCV000417535.1).

ClinVar aggregate classification (germline): Uncertain significance (1 of 4 stars; one submission).

Conditions:
Lynch syndrome. Identifiers: Orphanet 144, MedGen C4552100, MONDO:0005835. Disease mechanism: loss of function.

Submission:

Labcorp Genetics (formerly Invitae), Labcorp
Classification: Uncertain significance for Hereditary nonpolyposis colorectal neoplasms. Last evaluated: 2016-04-07. Review status: criteria provided, single submitter. Criteria: Invitae Variant Classification Sherloc (09022015). Collection method: clinical testing. Allele origin: germline.
Comment: This variant is a gross duplication of the genomic region encompassing exons 1-5 of the EPCAM gene, which includes the initiator codon. The 5' end of this event is unknown as it extends beyond the assayed region for this gene and therefore may encompass additional genes. The 3' boundary is likely confined to intron 5 of the EPCAM gene. This variant has not been reported in the literature in individuals with an EPCAM-related disease. In summary, this is a novel duplication with uncertain impact on protein function. It has been classified as a Variant of Uncertain Significance.